The following is an entry in ClinVar:

ClinVar aggregate classification (germline): Uncertain significance (1 of 4 stars; one submission).

Submission:

Labcorp Genetics (formerly Invitae), Labcorp
Classification: Uncertain significance. Last evaluated: 2025-06-15. Review status: criteria provided, single submitter. Criteria: Invitae Variant Classification Sherloc (09022015). Collection method: clinical testing. Allele origin: germline.
Comment: This variant, c.1539_1577del, results in the deletion of 13 amino acid(s) of the ZNF513 protein (p.His514_Pro526del), but otherwise preserves the integrity of the reading frame. This variant is present in population databases (no rsID available, gnomAD 0.1%). This variant has not been reported in the literature in individuals affected with ZNF513-related conditions. Experimental studies and prediction algorithms are not available or were not evaluated, and the functional significance of this variant is currently unknown. In summary, the available evidence is currently insufficient to determine the role of this variant in disease. Therefore, it has been classified as a Variant of Uncertain Significance.

NM_144631.6(ZNF513):c.1539_1577del (p.His514_Pro526del)

Gene: ZNF513 (zinc finger protein 513; minus strand). Cytogenetic location: 2p23.3.
Variant type: Deletion.
Coding change: c.1539_1577del on transcript NM_144631.6 (MANE Select); coding-DNA positions 1539 to 1577, 39 bases deleted.
Protein change: p.His514_Pro526del.
Genome position (GRCh38, 1-based): chr2:27,377,594-27,377,632, 39 bases deleted; deleting any 39 consecutive bases within chr2:27,377,594-27,377,638 gives the same sequence; the c. name uses the placement nearest the transcript's 3' end. GRCh37 (hg19): chr2:27,600,467-27,600,505.
Other names: c.1353_1391del, p.His452_Pro464del (NM_001201459.2).
Identifiers: ClinVar variation 4798545 (VCV004798545.1).